The following is an entry in ClinVar:

NM_000202.8(IDS):c.327G>A (p.Trp109Ter)

Gene: IDS (iduronate 2-sulfatase; minus strand). Cytogenetic location: Xq28.
Variant type: single nucleotide variant.
Coding change: c.327G>A on transcript NM_000202.8 (MANE Select); coding-DNA position 327, G replaced by A.
Protein change: p.Trp109Ter; replaces tryptophan 109 with a stop codon.
Molecular consequence: nonsense. On other transcripts: non-coding transcript variant (1).
Genome position (GRCh38, 1-based): chrX:149,503,403, C>T on the plus strand (G>A on the coding strand, the complement: IDS is on the minus strand). VCF-style: chrX-149503403-C-T. GRCh37 (hg19) VCF-style: chrX-148584933-C-T.
Other names: c.57G>A, p.Trp19Ter (NM_001166550.4); c.327G>A, p.Trp109Ter (NM_006123.5); short protein forms W109*, W19*.
Identifiers: ClinVar variation 3255674 (VCV003255674.3).

ClinVar aggregate classification (germline): Pathogenic. Review status: criteria provided, multiple submitters, no conflicts (2 of 4 stars). 2 submissions from 2 submitters: Pathogenic (2). Last evaluated 2026-04-08.

Conditions:
Mucopolysaccharidosis, MPS-II (MPS2). Also called: Attenuated MPS (subtype; formerly known as mild MPS II); Severe MPS II; I2S deficiency; MPS 2; Hunter Syndrome; IDURONATE 2-SULFATASE DEFICIENCY. Identifiers: Orphanet 580, Orphanet 79388, MedGen C0026705, MONDO:0010674, OMIM 309900.

Submissions (2):

North West Genomic Laboratory Hub, Manchester University NHS Foundation Trust
Classification: Pathogenic for Mucopolysaccharidosis type II. Last evaluated: 2026-04-08. Review status: criteria provided, single submitter. Criteria: ACGS Best Practice Guidelines for Variant Classification in Rare Disease 2024. Collection method: clinical testing. Allele origin: germline. Affected: yes.
Comment: PS4_Mod PM2_Mod PVS1_VStr

Laboratory of Diagnosis and Therapy of Lysosomal Disorders, University of Padova
Classification: Pathogenic for Mucopolysaccharidosis, MPS-II. Last evaluated: 2024-06-07. Review status: criteria provided, single submitter. Criteria: ACMG Guidelines, 2015. Collection method: literature only. Allele origin: germline. Affected: yes. Observed: 2 variant alleles.
Comment: Null variant (PVS1_VeryStrong), De novo (PS2_Moderate), Absent from controls (or at low frequency) in gnomAD database (PM2_Moderate), Patient’s phenotype or family history highly specific for the disease (PP4_Moderate)

Classification method: ACMG Guidelines [PMID:25741868] with modifications

Literature cited by the submitters: PubMed 24125893 (cited by Laboratory of Diagnosis and Therapy of Lysosomal Disorders, University of Padova).